The following is an entry in ClinVar:

NM_000552.5(VWF):c.4130C>T (p.Ala1377Val)

Gene: VWF (von Willebrand factor; minus strand). Cytogenetic location: 12p13.31.
Variant type: single nucleotide variant.
Coding change: c.4130C>T on transcript NM_000552.5 (MANE Select); coding-DNA position 4130, C replaced by T.
Protein change: p.Ala1377Val; replaces alanine 1377 with valine.
Molecular consequence: missense variant.
Genome position (GRCh38, 1-based): chr12:6,019,288, G>A on the plus strand (C>T on the coding strand, the complement: VWF is on the minus strand). VCF-style: chr12-6019288-G-A. GRCh37 (hg19) VCF-style: chr12-6128454-G-A.
Other names: NM_000552.5(VWF):c.4130C>T; p.Ala1377Val; c.4130C>T (NM_000552.4); short protein forms A1377V.
Identifiers: ClinVar variation 619750 (VCV000619750.19), dbSNP rs141211612, ClinGen allele CA6402597.
Genomic context (GRCh38, chr12:6,019,288, plus strand): 5'-AAGTTCCGGGACATCCGTTGGGGCTCCTGGCTGGCCATCAGGAGCAGGGTGATGCGGGAG[G>A]CTTCAGGGCGGTCGATCTTGCTGAAGATTTGGAACAGTGTGTATTTCAAGACCTCGCTGG-3'
Protein context (NP_000543.3, residues 1367-1387): QIFSKIDRPE[Ala1377Val]SRITLLLMAS

ClinVar aggregate classification (germline): Uncertain significance. Review status: reviewed by expert panel (3 of 4 stars). 8 submissions from 8 submitters: Uncertain significance (1). 7 of the submissions do not count toward it. Last evaluated 2024-08-12.

Conditions:
Hereditary von Willebrand disease. Identifiers: Orphanet 903, MedGen C5703318, MONDO:0019565. Inheritance: Autosomal recessive or Autosomal dominant.
von Willebrand disease type 2 (VWD2). Also called: VWD, TYPE 2; VON WILLEBRAND DISEASE, TYPE 2A/IIE; VON WILLEBRAND DISEASE, TYPE 2CB; VON WILLEBRAND DISEASE, TYPE II. Identifiers: Orphanet 166081, Orphanet 903, MedGen C1264040, MONDO:0013304, OMIM 613554.

Allele frequency attached by ClinVar (database versions not stated): gnomAD exomes 0.00007 and 0.00021; ExAC 0.00018; gnomAD 0.00061 and 0.00063; TOPMed 0.00069; ESP Exome Variant Server 0.00092; 1000 Genomes Project 0.00120; 1000 Genomes Project 30x 0.00141.
gnomAD v4.1: 196 of 1,613,890 alleles (0.012%); highest among the groups gnomAD compares: African/African-American, 0.23%; no homozygotes.

Submissions (8):

ClinGen von Willebrand Disease Variant Curation Expert Panel, ClinGen
Classification: Uncertain significance for Hereditary von Willebrand disease. Last evaluated: 2024-08-12. Review status: reviewed by expert panel. Criteria: ClinGen VWD 2A B M Rules. Collection method: curation. Allele origin: germline. Inheritance: Autosomal dominant inheritance.
Comment: NM_000552.5(VWF):c.4130C>T is a missense variant in VWF that replaces alanine with valine at position 1377. At least 1 patient with this variant, in combination with p.Arg1379Cys (ClinVar 100333; Pathogenic VWD type 1) in cis, displayed excessive mucocutaneous bleeding as well as laboratory phenotypes of a normal multimer pattern, low VWF:RCo/VWF:Ag ratio (0.6 to 0.7), and decreased GP1b binding assay which together are highly specific for VWD type 2M (PP4_moderate, PMID: 27785872). The p.Ala1377Val and p.Arg1379Cys variants have been reported in cis in 3 additional probands with high mucocutaneous bleeding as well as laboratory phenotypes of a normal multimer pattern, low VWF:RCo/VWF:Ag ratio (0.6 to 0.7), and decreased GP1b binding assay, but the four patients from Milan show the same short tandem repeats nearby, indicating the possibility of a common ancestor. The proband of Family VIII (PMID: 35452508) has 3 additional type 2M diagnosed individuals, 2 are counted here with VWF Act/ VWF:Ag ratio <=0.42 (the other is 0.75). Each individual is heterozygous for p.A1377V; p.R1379C (PP1). The Grpmax filtering allele frequency of this variant in gnomAD v4.1 is 0.001967 (based on 170/75034 alleles in the African / African-American population), which is lower than the ClinGen VWD VCEP threshold for BS1 (>0.01) and higher than the threshold for PM2_Supporting (<0.0001). GP1b-alpha binding assay performed with recombinant VWF expressed by HEK-293 cells showed severely decreased binding when p.Ala1377Val was combined with the p.Arg1379Cys variant, indicating that the combination of these two variants has a damaging effect on protein function. PS3_Supporting was not met because the individual p.Ala1377Val and p.Arg1379Arg mutants showed approximately wild-type binding to GpIb-alpha (PMID: 27785872). The computational predictor REVEL gives a score of 0.805, which is above the ClinGen VWD VCEP threshold of >0.644 and predicts a damaging effect on VWF function (PP3). In summary, this variant meets the criteria to be classified as a variant of unknown significance for hereditary von Willebrand disease based on the ACMG/AMP criteria applied, as specified by the ClinGen VWD VCEP: PP4_Moderate, PP3, PP1. (Rule specifications for von Willebrand disease type 2A, 2B and 2M v1.0.0; date of approval 08/12/2024)

GeneDx
Classification: Uncertain significance. Last evaluated: 2026-01-20. Review status: criteria provided, single submitter. Criteria: GeneDx Variant Classification Process June 2021. Collection method: clinical testing. Allele origin: germline. Not counted in ClinVar's aggregate classification.
Comment: Reported to result in von Willebrand type 2M when on the same allele (in cis) with the R1379C variant; functional studies indicate both variants result in reduced binding to glycoprotein Iba (PMID: 27785872); In silico analysis suggests that this missense variant does not alter protein structure/function; This variant is associated with the following publications: (PMID: 32107842, 33443930, 31939074, 32573891, 30046717, 24482836, 27785872, 34758185, 37168293, 36754679, 35452508, 37872709)

Women's Health and Genetics/Laboratory Corporation of America, LabCorp
Classification: Uncertain significance. Last evaluated: 2025-05-05. Review status: criteria provided, single submitter. Criteria: LabCorp Variant Classification Summary - May 2015. Collection method: clinical testing. Allele origin: germline. Not counted in ClinVar's aggregate classification.
Comment: Variant summary: VWF c.4130C>T (p.Ala1377Val) results in a non-conservative amino acid change located in the von Willebrand factor, type A (IPR002035) of the encoded protein sequence. Algorithms developed to predict the effect of missense changes on protein structure and function all suggest that this variant is likely to be disruptive. The variant allele was found at a frequency of 0.00021 in 250788 control chromosomes. This frequency is not significantly higher than estimated for a pathogenic variant in VWF causing Von Willebrand Disease, allowing no conclusion about variant significance. c.4130C>T has been reported in the literature in individuals affected with Von Willebrand Disease, without strong evidence for causality (example, Maas_2022). These report(s) do not provide unequivocal conclusions about association of the variant with Von Willebrand Disease. Co-occurrences with other pathogenic variant(s) have been reported in four individuals affected with Von Willebrand Disease (in cis along with VWF c.4135C>T, p.Arg1379Cys), providing supporting evidence for a benign role (Pagliari_2016). At least one publication reports experimental evidence evaluating an impact on protein function. The most pronounced variant effect results in about 50% of normal VWF levels in medium and cell lysates using an ELISA assay (Pagliari_2016). The following publications have been ascertained in the context of this evaluation (PMID: 34758185, 27785872, 37168293). ClinVar contains an entry for this variant (Variation ID: 619750). Based on the evidence outlined above, the variant was classified as uncertain significance.

ARUP Laboratories, Molecular Genetics and Genomics, ARUP Laboratories
Classification: Uncertain significance. Last evaluated: 2025-04-16. Review status: criteria provided, single submitter. Criteria: ARUP Molecular Germline Variant Investigation Process 2024. Collection method: clinical testing. Allele origin: germline. Not counted in ClinVar's aggregate classification.
Comment: The VWF c.4130C>T; p.Ala1377Val variant (rs141211612, ClinVar Variation ID: 619750) is reported in the literature an individual with von Willebrand disease type 1 (VWD; Alzahrani 2023) and an individual with VWD type 2M that had a second VWF variant detected with a normal multimer pattern (Maas 2022). Additionally, four individuals with VWD type 2M were found to have a VWF variant (p.Arg1379Cys) in cis to p.Ala1377Val, and all had normal multimer patterns (Pagliari 2016). In vitro functional analyses of the Ala1377Val mutant found slightly decreased expression but slightly increased binding to recombinant glycoprotein Iba; however, the Ala1377Val-Arg1379Cys mutant decreased recombinant glycoprotein Iba binding (Pagliari 2016). The p.Ala1377Val variant is found in the African/African-American population with an allele frequency of 0.25% (62/24,834 alleles) in the Genome Aggregation Database (v2.1.1). Computational analyses predict that this variant is deleterious (REVEL: 0.805). Due to limited information, the clinical significance of the p.Ala1377Val variant is uncertain at this time. References: Alzahrani FM et al. Phenotypic and genotypic (exon 28) characterization of patients diagnosed with von Willebrand disease type 1 in Eastern Saudi Arabia. J Med Life. 2023 Mar;16(3):428-433. PMID: 37168293. Maas DPMSM et al. Von Willebrand disease type 2M: Correlation between genotype and phenotype. J Thromb Haemost. 2022 Feb;20(2):316-327. PMID: 34758185. Pagliari MT et al. von Willebrand disease type 1 mutation p.Arg1379Cys and the variant p.Ala1377Val synergistically determine a 2M phenotype in four Italian patients. Haemophilia. 2016 Nov;22(6):e502-e511. PMID: 27785872.

Blueprint Genetics
Classification: Likely benign. Last evaluated: 2024-10-02. Review status: criteria provided, single submitter. Criteria: ACMG Guidelines, 2015. Collection method: clinical testing. Allele origin: germline. Not counted in ClinVar's aggregate classification.

Quest Diagnostics Nichols Institute San Juan Capistrano
Classification: Uncertain significance. Last evaluated: 2023-10-23. Review status: criteria provided, single submitter. Criteria: Quest Diagnostics criteria. Collection method: clinical testing. Allele origin: unknown. Not counted in ClinVar's aggregate classification.
Comment: The PALB2 c.503C>A (p.Ser168*) variant causes the premature termination of PALB2 protein synthesis. This variant has been reported in the published literature in an individual with Type 1 (PMID: 37168293 (2023)) and individuals/families with Type 2M Von Willebrand Disease (PMIDs: 27785872 (2016), 34758185 (2022), 35452508 (2022), and 36754679 (2023)). Functional studies found that this variant did not compromise vWF capacity to bind the GpIba receptor, resulted in normal vWF protein levels and normal multimers (PMIDs: 27785872 (2016) and 34758185 (2022)). However, inconclusive functional evidence for the variant showed either normal (PMID: 27785872 (2016)) or reduced vWF activity (PMID: 34758185 (2022)) with enhanced VWF clearance (PMID: 36754679 (2023)). This variant has not been reported in large, multi-ethnic general populations (Genome Aggregation Database). Based on the available information, this variant is classified as pathogenic.

Genetic Services Laboratory, University of Chicago
Classification: Uncertain significance. Last evaluated: 2018-10-30. Review status: criteria provided, single submitter. Criteria: ACMG Guidelines, 2015. Collection method: clinical testing. Allele origin: germline. Affected: no. Not counted in ClinVar's aggregate classification.

Angelo Bianchi Bonomi Hemophilia and Thrombosis Center, Fondazione IRCCS Ca Granda Ospedale Maggiore Policlinico
Classification: Uncertain significance for von Willebrand disease type 2. Last evaluated: 2022-04-26. Review status: no assertion criteria provided. Collection method: clinical testing. Allele origin: germline. Affected: yes. Not counted in ClinVar's aggregate classification.

Literature cited by the submitters: PubMed 27785872 (cited by Women's Health and Genetics/Laboratory Corporation of America, LabCorp and Quest Diagnostics Nichols Institute San Juan Capistrano); PubMed 34758185 (cited by Women's Health and Genetics/Laboratory Corporation of America, LabCorp and Quest Diagnostics Nichols Institute San Juan Capistrano); PubMed 37168293 (cited by Quest Diagnostics Nichols Institute San Juan Capistrano); PubMed 35452508 (cited by Quest Diagnostics Nichols Institute San Juan Capistrano); PubMed 36754679 (cited by Quest Diagnostics Nichols Institute San Juan Capistrano).